The following is an entry in ClinVar:

ClinVar aggregate classification (germline): Uncertain significance. Review status: criteria provided, single submitter (1 of 4 stars). 2 submissions from 2 submitters: Uncertain significance (1). 1 of the submissions does not count toward it. Last evaluated 2021-08-16.

Conditions:
PHC2-related disorder. Also called: PHC2-related condition.

Allele frequency attached by ClinVar (database versions not stated): gnomAD 0.00040; gnomAD exomes 0.00052; ExAC 0.00042; ESP Exome Variant Server 0.00069; TOPMed 0.00042; 1000 Genomes Project 30x 0.00062; 1000 Genomes Project 0.00040.
gnomAD v4.1: 803 of 1,614,012 alleles (0.05%); highest among the groups gnomAD compares: Non-Finnish European, 0.063%; 1 homozygote.

Submissions (3):

Ambry Genetics
Classification: Uncertain significance. Last evaluated: 2021-08-16. Review status: criteria provided, single submitter. Criteria: Ambry Variant Classification Scheme 2023. Collection method: clinical testing. Allele origin: germline.

PreventionGenetics, part of Exact Sciences
Classification: Likely benign for PHC2-related condition. Last evaluated: 2023-09-29. Review status: no assertion criteria provided. Collection method: clinical testing. Allele origin: germline. Not counted in ClinVar's aggregate classification.
Comment: This variant is classified as likely benign based on ACMG/AMP sequence variant interpretation guidelines (Richards et al. 2015 PMID: 25741868, with internal and published modifications).

Dr. Peter K. Rogan Lab, Western University
No classification provided (evidence only). Condition: Malignant tumor of urinary bladder. Review status: no classification provided. Collection method: in vitro. Allele origin: not applicable. Functional consequence: retained intron. Not counted in ClinVar's aggregate classification.

NM_001385109.1(PHC2):c.928C>G (p.Leu310Val)

Gene: PHC2 (polyhomeotic homolog 2; minus strand). Cytogenetic location: 1p35.1.
Variant type: single nucleotide variant.
Coding change: c.928C>G on transcript NM_001385109.1 (MANE Select); coding-DNA position 928, C replaced by G.
Protein change: p.Leu310Val; replaces leucine 310 with valine.
Molecular consequence: missense variant. On other transcripts: intron variant (1).
Genome position (GRCh38, 1-based): chr1:33,367,164, G>C on the plus strand (C>G on the coding strand, the complement: PHC2 is on the minus strand). VCF-style: chr1-33367164-G-C. GRCh37 (hg19) VCF-style: chr1-33832765-G-C.
Other names: NC_000001.10:g.33832765G>C; c.841C>G, p.Leu281Val (NM_001330488.2, NM_001385122.1); c.994C>G, p.Leu332Val (NM_001385112.1); c.928C>G, p.Leu310Val (NM_001385119.1, NM_001385120.1, NM_198040.3); c.922C>G, p.Leu308Val (NM_001385121.1); c.333+5125C>G (NM_001385123.1); short protein forms L281V, L308V, L332V, L310V.
Identifiers: ClinVar variation 2297938 (VCV002297938.5), dbSNP rs150980242, ClinGen allele CA749482.
Genomic context (GRCh38, chr1:33,367,164, plus strand): 5'-TGAAGACCTTACCTGGTGCAATGAGGGGGTGGGCAGCCACAGCAGGAACCGTCCGGCTGA[G>C]CCCAGCCCGGCCTTCCATGCTCCCTGGCACACTGCTGTTGCCATCTCCTTTCTTGTGTGG-3'
Protein context (NP_001372038.1, residues 300-320): VPGSMEGRAG[Leu310Val]SRTVPAVAAH